The following is an entry in ClinVar:

ClinVar aggregate classification (germline): Likely pathogenic (1 of 4 stars; one submission).

Conditions:
Neurodegeneration with brain iron accumulation 5 (NBIA5). Also called: Beta-propeller protein-associated neurodegeneration; STATIC ENCEPHALOPATHY OF CHILDHOOD WITH NEURODEGENERATION IN ADULTHOOD. Identifiers: Orphanet 329284, MedGen C3550973, MONDO:0010476, OMIM 300894.

Submission:

Institute of Human Genetics, University of Leipzig Medical Center
Classification: Likely pathogenic for Neurodegeneration with brain iron accumulation 5. Last evaluated: 2025-04-29. Review status: criteria provided, single submitter. Criteria: ACMG Guidelines, 2015. Collection method: clinical testing. Allele origin: unknown. Inheritance: Autosomal dominant inheritance. Affected: yes.
Comment: Criteria applied: PM5_STR,PM1_SUP,PM2_SUP,PP3

NM_001029896.2(WDR45):c.499G>A (p.Gly167Arg)

Gene: WDR45 (WD repeat domain 45; minus strand). Cytogenetic location: Xp11.23.
Variant type: single nucleotide variant.
Coding change: c.499G>A on transcript NM_001029896.2 (MANE Select); coding-DNA position 499, G replaced by A.
Protein change: p.Gly167Arg; replaces glycine 167 with arginine.
Molecular consequence: missense variant.
Genome position (GRCh38, 1-based): chrX:49,075,883, C>T on the plus strand (G>A on the coding strand, the complement: WDR45 is on the minus strand). VCF-style: chrX-49075883-C-T. GRCh37 (hg19) VCF-style: chrX-48933542-C-T.
Other names: c.502G>A, p.Gly168Arg (NM_007075.4); short protein forms G167R, G168R.
Identifiers: ClinVar variation 3901154 (VCV003901154.1).